The following is an entry in ClinVar:

ClinVar aggregate classification (germline): Uncertain significance (1 of 4 stars; one submission).

Conditions:
Hereditary cancer-predisposing syndrome. Also called: Hereditary Cancer Syndrome; Hereditary neoplastic syndrome; Tumor predisposition; Neoplastic Syndromes, Hereditary. Identifiers: Orphanet 140162, MedGen C0027672, MeSH D009386, MONDO:0015356.
Cardiovascular phenotype. Identifiers: MedGen CN230736.

Submission:

Ambry Genetics
Classification: Uncertain significance for Cardiovascular phenotype; Hereditary cancer-predisposing syndrome. Last evaluated: 2022-07-29. Review status: criteria provided, single submitter. Criteria: Ambry Variant Classification Scheme 2023. Collection method: clinical testing. Allele origin: germline.
Comment: The p.L786V variant (also known as c.2356C>G), located in coding exon 20 of the LZTR1 gene, results from a C to G substitution at nucleotide position 2356. The leucine at codon 786 is replaced by valine, an amino acid with highly similar properties. This amino acid position is conserved. In addition, this alteration is predicted to be tolerated by in silico analysis. Since supporting evidence is limited at this time, the clinical significance of this alteration remains unclear.

NM_006767.4(LZTR1):c.2356C>G (p.Leu786Val)

Gene: LZTR1 (leucine zipper like post translational regulator 1; plus strand). Cytogenetic location: 22q11.21.
Variant type: single nucleotide variant.
Coding change: c.2356C>G on transcript NM_006767.4 (MANE Select); coding-DNA position 2356, C replaced by G.
Protein change: p.Leu786Val; replaces leucine 786 with valine.
Molecular consequence: missense variant.
Genome position (GRCh38, 1-based): chr22:20,996,916, C>G. VCF-style: chr22-20996916-C-G. GRCh37 (hg19) VCF-style: chr22-21351205-C-G.
Other names: short protein forms L786V.
Identifiers: ClinVar variation 1790076 (VCV001790076.2), dbSNP rs2518626042, ClinGen allele CA410781032.